The following is an entry in ClinVar:

ClinVar aggregate classification (germline): Uncertain significance. Review status: criteria provided, single submitter (1 of 4 stars). 2 submissions from 2 submitters: Uncertain significance (1). 1 of the submissions does not count toward it. Last evaluated 2025-01-19.

Conditions:
Generalized epilepsy-paroxysmal dyskinesia syndrome (PNKD3). Also called: Generalized epilepsy and paroxysmal dyskinesia; Paroxysmal nonkinesigenic dyskinesia, 3, with or without generalized epilepsy. Identifiers: Orphanet 79137, MedGen C5574945, MONDO:0012276, OMIM 609446.

gnomAD v4.1: 3 of 1,544,334 alleles (0.00019%); highest among the groups gnomAD compares: South Asian, 0.0024%; no homozygotes.

Submissions (2):

Labcorp Genetics (formerly Invitae), Labcorp
Classification: Uncertain significance for Generalized epilepsy-paroxysmal dyskinesia syndrome. Last evaluated: 2025-01-19. Review status: criteria provided, single submitter. Criteria: Invitae Variant Classification Sherloc (09022015). Collection method: clinical testing. Allele origin: germline.
Comment: This sequence change replaces alanine, which is neutral and non-polar, with proline, which is neutral and non-polar, at codon 31 of the KCNMA1 protein (p.Ala31Pro). This variant is not present in population databases (gnomAD no frequency). This variant has not been reported in the literature in individuals affected with KCNMA1-related conditions. ClinVar contains an entry for this variant (Variation ID: 2664535). An algorithm developed to predict the effect of missense changes on protein structure and function (PolyPhen-2) suggests that this variant is likely to be disruptive. In summary, the available evidence is currently insufficient to determine the role of this variant in disease. Therefore, it has been classified as a Variant of Uncertain Significance.

Genetics and Genomic Medicine Centre, NeuroGen Healthcare, NeuroGen Healthcare
Classification: Uncertain significance. Last evaluated: 2021-07-24. Review status: no assertion criteria provided. Collection method: clinical testing. Allele origin: unknown. Affected: yes. Not counted in ClinVar's aggregate classification.

NM_001161352.2(KCNMA1):c.91G>C (p.Ala31Pro)

Gene: KCNMA1 (potassium calcium-activated channel subfamily M alpha 1; minus strand). Cytogenetic location: 10q22.3.
Variant type: single nucleotide variant.
Coding change: c.91G>C on transcript NM_001161352.2 (MANE Select); coding-DNA position 91, G replaced by C.
Protein change: p.Ala31Pro; replaces alanine 31 with proline.
Molecular consequence: missense variant.
Genome position (GRCh38, 1-based): chr10:77,637,552, C>G on the plus strand (G>C on the coding strand, the complement: KCNMA1 is on the minus strand). VCF-style: chr10-77637552-C-G. GRCh37 (hg19) VCF-style: chr10-79397310-C-G.
Other names: c.91G>C, p.Ala31Pro (NM_001014797.3, NM_001161353.2, NM_001271518.2 and 13 more transcripts); short protein forms A31P.
Identifiers: ClinVar variation 2664535 (VCV002664535.4), dbSNP rs1343575385.